The following is an entry in ClinVar:

ClinVar aggregate classification (germline): Uncertain significance (1 of 4 stars; one submission).

Submission:

Labcorp Genetics (formerly Invitae), Labcorp
Classification: Uncertain significance. Last evaluated: 2022-10-24. Review status: criteria provided, single submitter. Criteria: Invitae Variant Classification Sherloc (09022015). Collection method: clinical testing. Allele origin: germline.
Comment: This variant has not been reported in the literature in individuals affected with PDE6H-related conditions. In summary, the available evidence is currently insufficient to determine the role of this variant in disease. Therefore, it has been classified as a Variant of Uncertain Significance. Algorithms developed to predict the effect of missense changes on protein structure and function are either unavailable or do not agree on the potential impact of this missense change (SIFT: "Deleterious"; PolyPhen-2: "Probably Damaging"; Align-GVGD: "Class C0"). This variant is not present in population databases (gnomAD no frequency). This sequence change replaces proline, which is neutral and non-polar, with threonine, which is neutral and polar, at codon 38 of the PDE6H protein (p.Pro38Thr).

NM_006205.3(PDE6H):c.112C>A (p.Pro38Thr)

Gene: PDE6H (phosphodiesterase 6H; plus strand). Cytogenetic location: 12p12.3.
Variant type: single nucleotide variant.
Coding change: c.112C>A on transcript NM_006205.3 (MANE Select); coding-DNA position 112, C replaced by A.
Protein change: p.Pro38Thr; replaces proline 38 with threonine.
Molecular consequence: missense variant.
Genome position (GRCh38, 1-based): chr12:14,978,124, C>A. VCF-style: chr12-14978124-C-A. GRCh37 (hg19) VCF-style: chr12-15131058-C-A.
Other names: short protein forms P38T.
Identifiers: ClinVar variation 2015800 (VCV002015800.4), dbSNP rs2497602647, ClinGen allele CA384024096.